The following is an entry in ClinVar:

NM_020928.2(ZSWIM6):c.646A>G (p.Ser216Gly)

Gene: ZSWIM6 (zinc finger SWIM-type containing 6; plus strand). Cytogenetic location: 5q12.1.
Variant type: single nucleotide variant.
Coding change: c.646A>G on transcript NM_020928.2 (MANE Select); coding-DNA position 646, A replaced by G.
Protein change: p.Ser216Gly; replaces serine 216 with glycine.
Molecular consequence: missense variant.
Genome position (GRCh38, 1-based): chr5:61,332,918, A>G. VCF-style: chr5-61332918-A-G. GRCh37 (hg19) VCF-style: chr5-60628745-A-G.
Other names: short protein forms S216G.
Identifiers: ClinVar variation 1348355 (VCV001348355.8), dbSNP rs1234718171, ClinGen allele CA359941136.
Genomic context (GRCh38, chr5:61,332,918, plus strand): 5'-GCGGCGGACGGCGGCGACGAGACGCGGCTGCCTTTCCGCCGGGGCATCGCGCTGTTGGAA[A>G]GCGGCTGCGTAGACAACGTCCTGCAAGTCGGTGAGTCACGGGGCAGCCGCGAGCCGTCTG-3'
Protein context (NP_065979.1, residues 206-226): PFRRGIALLE[Ser216Gly]GCVDNVLQVG

ClinVar aggregate classification (germline): Uncertain significance. Review status: criteria provided, multiple submitters, no conflicts (2 of 4 stars). 2 submissions from 2 submitters: Uncertain significance (2). Last evaluated 2023-09-14.

Allele frequency attached by ClinVar (database versions not stated): gnomAD exomes below 0.00001.
gnomAD v4.1: 1 of 1,347,852 alleles (0.000074%); highest among the groups gnomAD compares: African/African-American, 0.0016%; no homozygotes.

Submissions (2):

Greenwood Genetic Center Diagnostic Laboratories, Greenwood Genetic Center
Classification: Uncertain significance. Last evaluated: 2023-09-14. Review status: criteria provided, single submitter. Criteria: ACMG Guidelines, 2015. Collection method: clinical testing. Allele origin: germline. Affected: yes.
Comment: PM2

Labcorp Genetics (formerly Invitae), Labcorp
Classification: Uncertain significance. Last evaluated: 2023-08-24. Review status: criteria provided, single submitter. Criteria: Invitae Variant Classification Sherloc (09022015). Collection method: clinical testing. Allele origin: germline.
Comment: In summary, the available evidence is currently insufficient to determine the role of this variant in disease. Therefore, it has been classified as a Variant of Uncertain Significance. An algorithm developed to predict the effect of missense changes on protein structure and function (PolyPhen-2) suggests that this variant is likely to be tolerated. ClinVar contains an entry for this variant (Variation ID: 1348355). This variant has not been reported in the literature in individuals affected with ZSWIM6-related conditions. This variant is not present in population databases (gnomAD no frequency). This sequence change replaces serine, which is neutral and polar, with glycine, which is neutral and non-polar, at codon 216 of the ZSWIM6 protein (p.Ser216Gly).